The following is an entry in ClinVar:

ClinVar aggregate classification (germline): Conflicting classifications of pathogenicity. Review status: criteria provided, conflicting classifications (1 of 4 stars). 8 submissions from 8 submitters: Pathogenic (3); Likely pathogenic (2); Uncertain significance (1). 2 of the submissions do not count toward it. Last evaluated 2025-09-02.

Conditions:
Retinitis pigmentosa 12 (RP12). Also called: RP WITH OR WITHOUT PRESERVED PARAARTERIOLE RETINAL PIGMENT EPITHELIUM; RETINITIS PIGMENTOSA WITH OR WITHOUT PARAARTERIOLAR PRESERVATION OF RETINAL PIGMENT EPITHELIUM; RP WITH OR WITHOUT PPRPE. Identifiers: Orphanet 791, MedGen C1838647, MONDO:0010818, OMIM 600105.
Leber congenital amaurosis 8 (LCA8). Identifiers: Orphanet 65, MedGen C3151202, MONDO:0013453, OMIM 613835.
Pigmented paravenous retinochoroidal atrophy. Identifiers: Orphanet 251295, MedGen C1868310, MONDO:0008246, OMIM 172870.
Retinitis pigmentosa (RP). Identifiers: Orphanet 791, MedGen C0035334, MeSH D012174, MONDO:0019200, OMIM 268000. Inheritance: Autosomal dominant, autosomal recessive and X linked inheritance.
CRB1-related disorder. Also called: CRB1-related condition; CRB1-related disorders.
Leber congenital amaurosis (LCA). Also called: Leber's amaurosis. Identifiers: Orphanet 65, MedGen C0339527, MeSH D057130, MONDO:0018998.

Allele frequency attached by ClinVar (database versions not stated): TOPMed below 0.00001; gnomAD 0.00001; gnomAD exomes 0.00001 and 0.00002.
gnomAD v4.1: 24 of 1,614,052 alleles (0.0015%); highest among the groups gnomAD compares: Non-Finnish European, 0.0019%; no homozygotes.

Submissions (8):

Labcorp Genetics (formerly Invitae), Labcorp
Classification: Pathogenic for Leber congenital amaurosis 8; Retinitis pigmentosa 12. Last evaluated: 2025-09-02. Review status: criteria provided, single submitter. Criteria: Invitae Variant Classification Sherloc (09022015). Collection method: clinical testing. Allele origin: germline.
Comment: This sequence change replaces tyrosine, which is neutral and polar, with cysteine, which is neutral and slightly polar, at codon 631 of the CRB1 protein (p.Tyr631Cys). This variant is present in population databases (no rsID available, gnomAD 0.006%). This missense change has been observed in individuals with CRB1-related conditions (PMID: 27157150, 28341475, 30718709). It has also been observed to segregate with disease in related individuals. ClinVar contains an entry for this variant (Variation ID: 636015). Invitae Evidence Modeling of protein sequence and biophysical properties (such as structural, functional, and spatial information, amino acid conservation, physicochemical variation, residue mobility, and thermodynamic stability) has been performed for this missense variant. However, the output from this modeling did not meet the statistical confidence thresholds required to predict the impact of this variant on CRB1 protein function. For these reasons, this variant has been classified as Pathogenic.

Natera, Inc.
Classification: Pathogenic for Leber congenital amaurosis. Last evaluated: 2024-11-23. Review status: criteria provided, single submitter. Criteria: Natera Variant Classification Schema (03/2026). Collection method: clinical testing. Allele origin: germline.
Comment: The c.1892A>G variant in CRB1 is a missense variant predicted to cause substitution of tyrosine to cysteine at amino acid 631. This variant is rare in the general population with a frequency below the threshold expected for the associated phenotype(s). This variant has been observed in one or more individuals affected with the associated recessive disease, as either homozygous or compound heterozygous with a second variant (PMID: 37541258, 27157150, 28341475, 33579689, 34003923). Additionally, this variant has been observed to segregate in affected family members (PMID: 34003923). Given the available evidence, this variant is classified as Pathogenic.

Baylor Genetics
Classification: Likely pathogenic for Leber congenital amaurosis 8. Last evaluated: 2024-03-28. Review status: criteria provided, single submitter. Criteria: ACMG Guidelines, 2015. Collection method: clinical testing. Allele origin: unknown.

Fulgent Genetics
Classification: Likely pathogenic for Pigmented paravenous retinochoroidal atrophy; Retinitis pigmentosa 12; Leber congenital amaurosis 8. Last evaluated: 2024-03-08. Review status: criteria provided, single submitter. Criteria: ACMG Guidelines, 2015. Collection method: clinical testing. Allele origin: germline.

Blueprint Genetics
Classification: Pathogenic for CRB1-related disorders. Last evaluated: 2022-10-26. Review status: criteria provided, single submitter. Criteria: ACMG Guidelines, 2015. Collection method: clinical testing. Allele origin: germline. Affected: yes. Observed: 5 variant alleles.

GeneDx
Classification: Uncertain significance. Last evaluated: 2019-11-07. Review status: criteria provided, single submitter. Criteria: GeneDx Variant Classification Process June 2021. Collection method: clinical testing. Allele origin: germline. Affected: yes.
Comment: In silico analysis, which includes protein predictors and evolutionary conservation, supports a deleterious effect; This variant is associated with the following publications: (PMID: 30092450, 28341475, 31047448, 27157150, 30718709, 30956116, 32831148)

Department of Clinical Genetics, Copenhagen University Hospital, Rigshospitalet
Classification: Uncertain significance for Retinitis pigmentosa. Last evaluated: 2018-04-01. Review status: no assertion criteria provided. Collection method: research. Allele origin: unknown. Affected: yes. Study: VeluxRD. Not counted in ClinVar's aggregate classification.

Laboratory of Genetics in Ophthalmology, Institut Imagine
Classification: Uncertain significance for Leber congenital amaurosis 8. Review status: no assertion criteria provided. Collection method: research. Allele origin: maternal. Affected: yes. Observed: 1 variant allele. Not counted in ClinVar's aggregate classification.

Literature cited by the submitters: PubMed 27157150 (cited by Labcorp Genetics (formerly Invitae), Labcorp and Natera, Inc.); PubMed 28341475 (cited by Labcorp Genetics (formerly Invitae), Labcorp and Natera, Inc.); PubMed 30718709 (cited by Labcorp Genetics (formerly Invitae), Labcorp and Department of Clinical Genetics, Copenhagen University Hospital, Rigshospitalet); PubMed 37541258 (cited by Natera, Inc.); PubMed 33579689 (cited by Natera, Inc.); PubMed 34003923 (cited by Natera, Inc.).

NM_201253.3(CRB1):c.1892A>G (p.Tyr631Cys)

Gene: CRB1 (crumbs cell polarity complex component 1; plus strand). Cytogenetic location: 1q31.3.
Variant type: single nucleotide variant.
Coding change: c.1892A>G on transcript NM_201253.3 (MANE Select); coding-DNA position 1892, A replaced by G.
Protein change: p.Tyr631Cys; replaces tyrosine 631 with cysteine.
Molecular consequence: missense variant. On other transcripts: non-coding transcript variant (1).
Genome position (GRCh38, 1-based): chr1:197,421,720, A>G. VCF-style: chr1-197421720-A-G. GRCh37 (hg19) VCF-style: chr1-197390850-A-G.
Other names: c.1556A>G, p.Tyr519Cys (NM_001193640.2); c.1685A>G, p.Tyr562Cys (NM_001257965.2); c.1892A>G, p.Tyr631Cys (NM_001257966.2); short protein forms Y631C, Y519C, Y562C.
Identifiers: ClinVar variation 636015 (VCV000636015.18), dbSNP rs1271816211, ClinGen allele CA344032843.